The following is an entry in ClinVar:

NM_001367873.1(SOX6):c.782A>C (p.Gln261Pro)

Genes: SOX6 (SRY-box transcription factor 6; minus strand), LOC128772343 (melanoma risk locus-associated MPRA allelic enhancer 11:16133413; plus strand). Cytogenetic location: 11p15.2.
Variant type: single nucleotide variant.
Coding change: c.782A>C on transcript NM_001367873.1 (MANE Select); coding-DNA position 782, A replaced by C.
Protein change: p.Gln261Pro; replaces glutamine 261 with proline.
Molecular consequence: missense variant.
Genome position (GRCh38, 1-based): chr11:16,111,919, T>G on the plus strand (A>C on the coding strand, the complement: SOX6 is on the minus strand). VCF-style: chr11-16111919-T-G. GRCh37 (hg19) VCF-style: chr11-16133465-T-G.
Other names: c.782A>C, p.Gln261Pro (NM_001145811.2, NM_001145819.2, NM_001367872.1 and 2 more transcripts); short protein forms Q261P.
Identifiers: ClinVar variation 3906046 (VCV003906046.10).
Genomic context (GRCh38, chr11:16,111,919, plus strand): 5'-GCTGCCAGAGTCCGCTGGTCATGTGGAAAAATTGGGATCATGAGCGGAGGCATGTGACCC[T>G]GAACCTGCTAAACAGAAGAGAGCCTATGATCAGACAGGGAGCAAATGTATGCCAAGAAGA-3'
Protein context (NP_001354802.1, residues 251-271): INLLQQQIQV[Gln261Pro]GHMPPLMIPI

ClinVar aggregate classification (germline): Uncertain significance (1 of 4 stars; one submission).

gnomAD v4.1: 2 of 1,612,186 alleles (0.00012%); highest among the groups gnomAD compares: Non-Finnish European, 0.00017%; no homozygotes.

Submission:

CeGaT Center for Human Genetics Tuebingen
Classification: Uncertain significance. Last evaluated: 2025-06-01. Review status: criteria provided, single submitter. Criteria: CeGaT Center For Human Genetics Tuebingen Variant Classification Criteria Version 2. Collection method: clinical testing. Allele origin: germline. Affected: yes. Observed: 2 variant alleles.
Comment: SOX6: PP2, PP3